The following is an entry in ClinVar:

ClinVar aggregate classification (germline): Uncertain significance (1 of 4 stars; one submission).

Conditions:
Primary ciliary dyskinesia 5. Also called: CILIARY DYSKINESIA, PRIMARY, 5, WITHOUT SITUS INVERSUS. Identifiers: Orphanet 244, MedGen C1837615, MONDO:0012088, OMIM 608647.

Submission:

OLLIN Analises Genomicas, OLLIN
Classification: Uncertain significance for Primary ciliary dyskinesia 5. Last evaluated: 2026-08-06. Review status: criteria provided, single submitter. Criteria: ACMG Guidelines 2015 PMID 25741868. Collection method: clinical testing. Allele origin: germline. Inheritance: Autosomal recessive inheritance.
Comment: This missense variant, located in exon 6 (of 86), is absent from gnomAD and ClinVar and has not been identified in the literature. In silico analysis is inconclusive regarding the impact of this variant. According to the currently available evidence, this variant has been classified as uncertain significance (PM2_P).

NM_001270974.2(HYDIN):c.534G>T (p.Leu178Phe)

Gene: HYDIN (HYDIN axonemal central pair apparatus protein; minus strand). Cytogenetic location: 16q22.2.
Variant type: single nucleotide variant.
Coding change: c.534G>T on transcript NM_001270974.2 (MANE Select); coding-DNA position 534, G replaced by T.
Protein change: p.Leu178Phe; replaces leucine 178 with phenylalanine.
Molecular consequence: missense variant.
Genome position (GRCh38, 1-based): chr16:71,162,713, C>A on the plus strand (G>T on the coding strand, the complement: HYDIN is on the minus strand). VCF-style: chr16-71162713-C-A. GRCh37 (hg19) VCF-style: chr16-71196616-C-A.
Other names: c.615G>T, p.Leu205Phe (NM_001198542.1); c.585G>T, p.Leu195Phe (NM_001198543.1); c.534G>T, p.Leu178Phe (NM_017558.5); short protein forms L178F, L195F, L205F.
Identifiers: ClinVar variation 5002986 (VCV005002986.1).